The following is an entry in ClinVar:

ClinVar aggregate classification (germline): Uncertain significance. Review status: criteria provided, multiple submitters, no conflicts (2 of 4 stars). 2 submissions from 2 submitters: Uncertain significance (2). Last evaluated 2024-07-15.

Conditions:
Hypokalemic periodic paralysis, type 1. Also called: HypoPP; Hypokalemic Periodic Paralysis Type 1 (AD). Identifiers: Orphanet 681, MedGen C3714580, MONDO:0042979, OMIM 170400.
Hyperkalemic periodic paralysis. Also called: Familial hyperkalemic periodic paralysis; Gamstorp disease. Identifiers: Orphanet 682, MedGen C0238357, MONDO:0008224, OMIM 170500, HP:0007215.
Paramyotonia congenita of Von Eulenburg. Also called: Eulenburg disease; Myotonia congenita intermittens; Von Eulenburg paramyotonia congenita; Paramyotonia Congenita; PARALYSIS PERIODICA PARAMYOTONICA. Identifiers: Orphanet 684, MedGen C0221055, MONDO:0008195, OMIM 168300. Disease mechanism: loss of function.
Hypokalemic periodic paralysis, type 2 (HOKPP2). Identifiers: Orphanet 681, MedGen C2750061, MONDO:0013234, OMIM 613345.
Potassium-aggravated myotonia. Also called: MYOTONIA CONGENITA, ACETAZOLAMIDE-RESPONSIVE; MYOTONIA CONGENITA, ATYPICAL; SODIUM CHANNEL MUSCLE DISEASE; Myotonia congenita, atypical, acetazolamide-responsive. Identifiers: Orphanet 612, Orphanet 99734, Orphanet 99735, Orphanet 99736, MedGen C2931826, MONDO:0018959, OMIM 608390.
Congenital myasthenic syndrome 16. Identifiers: Orphanet 590, MedGen C3280112, MONDO:0013620, OMIM 614198.

Allele frequency attached by ClinVar (database versions not stated): TOPMed below 0.00001; ExAC 0.00002; gnomAD exomes 0.00001.

Submissions (2):

Labcorp Genetics (formerly Invitae), Labcorp
Classification: Uncertain significance for Hyperkalemic periodic paralysis. Last evaluated: 2024-07-15. Review status: criteria provided, single submitter. Criteria: Invitae Variant Classification Sherloc (09022015). Collection method: clinical testing. Allele origin: germline.
Comment: This sequence change replaces glycine, which is neutral and non-polar, with serine, which is neutral and polar, at codon 1760 of the SCN4A protein (p.Gly1760Ser). This variant is present in population databases (rs774530569, gnomAD 0.006%). This variant has not been reported in the literature in individuals affected with SCN4A-related conditions. ClinVar contains an entry for this variant (Variation ID: 864371). An algorithm developed to predict the effect of missense changes on protein structure and function outputs the following: PolyPhen-2: "Benign". The serine amino acid residue is found in multiple mammalian species, which suggests that this missense change does not adversely affect protein function. In summary, the available evidence is currently insufficient to determine the role of this variant in disease. Therefore, it has been classified as a Variant of Uncertain Significance.

Fulgent Genetics
Classification: Uncertain significance for Paramyotonia congenita of Von Eulenburg; Hypokalemic periodic paralysis, type 1; Hyperkalemic periodic paralysis; Potassium-aggravated myotonia; Hypokalemic periodic paralysis, type 2; Congenital myasthenic syndrome 16. Last evaluated: 2021-12-29. Review status: criteria provided, single submitter. Criteria: ACMG Guidelines, 2015. Collection method: clinical testing. Allele origin: unknown.

NM_000334.4(SCN4A):c.5278G>A (p.Gly1760Ser)

Genes: GH-LCR (growth hormone locus control region; plus strand), SCN4A (sodium voltage-gated channel alpha subunit 4; minus strand). Cytogenetic location: 17q23.3.
Variant type: single nucleotide variant.
Coding change: c.5278G>A on transcript NM_000334.4 (MANE Select); coding-DNA position 5278, G replaced by A.
Protein change: p.Gly1760Ser; replaces glycine 1760 with serine.
Molecular consequence: missense variant.
Genome position (GRCh38, 1-based): chr17:63,941,004, C>T on the plus strand (G>A on the coding strand, the complement: SCN4A is on the minus strand). VCF-style: chr17-63941004-C-T. GRCh37 (hg19) VCF-style: chr17-62018364-C-T.
Other names: short protein forms G1760S.
Identifiers: ClinVar variation 864371 (VCV000864371.19), dbSNP rs774530569, ClinGen allele CA8708792.
Genomic context (GRCh38, chr17:63,941,004, plus strand): 5'-ACATCTTGCTCATGGTGTTGGCAAGCAGCCCCTCCTTCTCAGGGGCGTCATCCCCGCTGC[C>T]GTCGTGGCTGTGGCGGTACATGTAGGATGCCTGCTTCATGGAGCGCTGTAGCAGGTGCCG-3'
Protein context (NP_000325.4, residues 1750-1770): ASYMYRHSHD[Gly1760Ser]SGDDAPEKEG